The following is an entry in ClinVar:

NM_024740.2(ALG9):c.128C>T (p.Thr43Ile)

Genes: ALG9 (ALG9 alpha-1,2-mannosyltransferase; minus strand), LOC130006752 (ATAC-STARR-seq lymphoblastoid silent region 3902; plus strand). Cytogenetic location: 11q23.1.
Variant type: single nucleotide variant.
Coding change: c.128C>T on transcript NM_024740.2 (MANE Select); coding-DNA position 128, C replaced by T.
Protein change: p.Thr43Ile; replaces threonine 43 with isoleucine.
Molecular consequence: missense variant. On other transcripts: 5 prime UTR variant (3).
Genome position (GRCh38, 1-based): chr11:111,871,355, G>A on the plus strand (C>T on the coding strand, the complement: ALG9 is on the minus strand). VCF-style: chr11-111871355-G-A. GRCh37 (hg19) VCF-style: chr11-111742078-G-A.
Other names: c.128C>T, p.Thr43Ile (NM_001077690.1, NM_001352417.1, NM_001352418.1); c.-247C>T (NM_001352409.1); c.-390C>T (NM_001352410.1, NM_001352413.1); short protein forms T43I.
Identifiers: ClinVar variation 1017177 (VCV001017177.6), dbSNP rs1377024435, ClinGen allele CA382616384.

ClinVar aggregate classification (germline): Uncertain significance (1 of 4 stars; one submission).

Conditions:
ALG9 congenital disorder of glycosylation (CDG1L). Also called: CONGENITAL DISORDER OF GLYCOSYLATION, TYPE Il; CDG Il; ALG9-CDG. Identifiers: Orphanet 79328, MedGen C2931006, MONDO:0012117, OMIM 608776.

Allele frequency attached by ClinVar (database versions not stated): TOPMed 0.00002; gnomAD exomes 0.00004.
gnomAD v4.1: 10 of 1,529,480 alleles (0.00065%); highest among the groups gnomAD compares: Admixed American, 0.0079%; no homozygotes.

Submission:

Labcorp Genetics (formerly Invitae), Labcorp
Classification: Uncertain significance for ALG9 congenital disorder of glycosylation. Last evaluated: 2024-01-31. Review status: criteria provided, single submitter. Criteria: Invitae Variant Classification Sherloc (09022015). Collection method: clinical testing. Allele origin: germline.
Comment: This sequence change replaces threonine, which is neutral and polar, with isoleucine, which is neutral and non-polar, at codon 43 of the ALG9 protein (p.Thr43Ile). This variant is present in population databases (no rsID available, gnomAD 0.02%). This variant has not been reported in the literature in individuals affected with ALG9-related conditions. ClinVar contains an entry for this variant (Variation ID: 1017177). Experimental studies and prediction algorithms are not available or were not evaluated, and the functional significance of this variant is currently unknown. In summary, the available evidence is currently insufficient to determine the role of this variant in disease. Therefore, it has been classified as a Variant of Uncertain Significance.